The following is an entry in ClinVar:

NM_001904.4(CTNNB1):c.865_869del (p.Thr289fs)

Gene: CTNNB1 (catenin beta 1; plus strand). Cytogenetic location: 3p22.1.
Variant type: Microsatellite.
Coding change: c.865_869del on transcript NM_001904.4 (MANE Select); coding-DNA positions 865 to 869, 5 bases deleted (ACAAA; older notation c.865_869delACAAA).
Protein change: p.Thr289fs; shifts the reading frame from threonine 289.
Molecular consequence: frameshift variant.
Genome position (GRCh38, 1-based): chr3:41,225,790-41,225,794, ACAAA deleted; deleting any 5 consecutive bases within chr3:41,225,784-41,225,794 gives the same sequence; the c. name uses the placement nearest the transcript's 3' end. VCF-style (leftmost placement, unchanged base first): chr3-41225783-CAACAA-C. GRCh37 (hg19) VCF-style: chr3-41267274-CAACAA-C.
Other names: c.865_869del, p.Thr289fs (NM_001098209.2, NM_001098210.2); c.844_848del, p.Thr282fs (NM_001330729.2); short protein forms T282fs, T289fs.
Identifiers: ClinVar variation 2635133 (VCV002635133.4), dbSNP rs2470790178, ClinGen allele CA2586965766.

ClinVar aggregate classification (germline): Pathogenic. Review status: criteria provided, multiple submitters, no conflicts (2 of 4 stars). 4 submissions from 4 submitters: Pathogenic (4). Last evaluated 2025-12-11.

Conditions:
Severe intellectual disability-progressive spastic diplegia syndrome (NEDSDV). Also called: NEURODEVELOPMENTAL DISORDER WITH SPASTIC DIPLEGIA AND VISUAL DEFECTS; CTNNB1 Neurodevelopmental Disorder. Identifiers: Orphanet 404473, MedGen C3554449, MONDO:0014035, OMIM 615075.
CTNNB1-related disorder. Also called: CTNNB1-related condition.

Submissions (4):

Medical and Scientific Branch, Hong Kong Genome Institute
Classification: Pathogenic for Severe intellectual disability-progressive spastic diplegia syndrome. Last evaluated: 2025-12-11. Review status: criteria provided, single submitter. Criteria: ACMG Guidelines, 2015. Collection method: clinical testing. Allele origin: de novo. Affected: yes.

Labcorp Genetics (formerly Invitae), Labcorp
Classification: Pathogenic. Last evaluated: 2025-06-22. Review status: criteria provided, single submitter. Criteria: Invitae Variant Classification Sherloc (09022015). Collection method: clinical testing. Allele origin: germline.
Comment: This sequence change creates a premature translational stop signal (p.Thr289Cysfs*2) in the CTNNB1 gene. It is expected to result in an absent or disrupted protein product. Loss-of-function variants in CTNNB1 are known to be pathogenic (PMID: 23033978, 24614104, 25326669, 26350204, 28575650). This variant is not present in population databases (gnomAD no frequency). This premature translational stop signal has been observed in individual(s) with CTNNB1-related conditions (PMID: 30792901). For these reasons, this variant has been classified as Pathogenic.

PreventionGenetics, part of Exact Sciences
Classification: Pathogenic for CTNNB1-related condition. Last evaluated: 2023-01-09. Review status: criteria provided, single submitter. Criteria: ACMG Guidelines, 2015. Collection method: clinical testing. Allele origin: germline.
Comment: The CTNNB1 c.865_869del5 variant is predicted to result in a frameshift and premature protein termination (p.Thr289Cysfs*2). This variant was reported as de novo in an individual with Intellectual disability with additional phenotypic features (Patient P9 in Scocchia et al. 2019. PubMed ID: 30792901). This variant has not been reported in a large population database, indicating this variant is rare. Frameshift variants in CTNNB1 are expected to be pathogenic. This variant is interpreted as pathogenic.

Illumina Laboratory Services, Illumina
Classification: Pathogenic for Severe intellectual disability-progressive spastic diplegia syndrome. Last evaluated: 2017-04-28. Review status: criteria provided, single submitter. Criteria: ICSLVariantClassificationCriteria RUGD 01 April 2020. Collection method: clinical testing. Allele origin: unknown.
Comment: The CTNNB1 c.865_869delACAAA (p.Thr289CysfsTer2) variant has not been reported in the literature. This variant has not been reported in the Genome Aggregation Database, in a region with good sequence coverage, suggesting that it is rare in the general population. The variant was identified in a de novo state. Based on the available evidence, the c.865_869delACAAA (p.Thr289CysfsTer2) variant is classified as pathogenic for CTNNB1-related syndromic intellectual disability.

Literature cited by the submitters: PubMed 23033978 (cited by Labcorp Genetics (formerly Invitae), Labcorp); PubMed 24614104 (cited by Labcorp Genetics (formerly Invitae), Labcorp); PubMed 25326669 (cited by Labcorp Genetics (formerly Invitae), Labcorp); PubMed 26350204 (cited by Labcorp Genetics (formerly Invitae), Labcorp); PubMed 28575650 (cited by Labcorp Genetics (formerly Invitae), Labcorp); PubMed 30792901 (cited by Labcorp Genetics (formerly Invitae), Labcorp).